The following is an entry in ClinVar:

ClinVar aggregate classification (germline): Uncertain significance (1 of 4 stars; one submission).

Conditions:
Short stature and advanced bone age, with or without early-onset osteoarthritis and/or osteochondritis dissecans (SSOAOD). Identifiers: Orphanet 251262, MedGen C3665488, MONDO:0100462, OMIM 165800.

gnomAD v4.1: 1 of 1,585,904 alleles (0.000063%); no homozygotes.

Submission:

Dasa
Classification: Uncertain significance for short stature and advanced bone age, with or without early-onset osteoarthritis and/or osteochondritis dissecans. Last evaluated: 2025-09-22. Review status: criteria provided, single submitter. Criteria: DASA Assertion Criteria. Collection method: clinical testing. Allele origin: germline.
Comment: NM_001369268.1(ACAN):c.1028G>T (p.Arg343Leu) is a missense variant that results in the substitution of arginine with leucine. This variant is rare in population databases. Computational prediction algorithms are consistent with a benign effect. The currently available literature and clinical evidence are not sufficient to establish a definitive association between this variant and the reported condition. Therefore, this variant is classified as a variant of uncertain significance.

NM_001369268.1(ACAN):c.1028G>T (p.Arg343Leu)

Gene: ACAN (aggrecan; plus strand). Cytogenetic location: 15q26.1.
Variant type: single nucleotide variant.
Coding change: c.1028G>T on transcript NM_001369268.1 (MANE Select); coding-DNA position 1028, G replaced by T.
Protein change: p.Arg343Leu; replaces arginine 343 with leucine.
Molecular consequence: missense variant.
Genome position (GRCh38, 1-based): chr15:88,843,625, G>T. VCF-style: chr15-88843625-G-T. GRCh37 (hg19) VCF-style: chr15-89386856-G-T.
Other names: c.1028G>T, p.Arg343Leu (NM_001135.4, NM_001411096.1, NM_001411097.1 and 1 more transcripts); short protein forms R343L.
Identifiers: ClinVar variation 4883153 (VCV004883153.2).